The following is an entry in ClinVar:

ClinVar aggregate classification (germline): Uncertain significance. Review status: criteria provided, multiple submitters, no conflicts (2 of 4 stars). 2 submissions from 2 submitters: Uncertain significance (2). Last evaluated 2024-09-14.

Conditions:
Autosomal dominant childhood-onset proximal spinal muscular atrophy with contractures (SMALED2A). Also called: SPINAL MUSCULAR ATROPHY, LOWER EXTREMITY-PREDOMINANT, 2A, CHILDHOOD ONSET, AUTOSOMAL DOMINANT; Spinal muscular atrophy, lower extremity-predominant, 2A, autosomal dominant. Identifiers: Orphanet 363447, Orphanet 363454, MedGen C4747715, MONDO:0014121, OMIM 615290.

Submissions (2):

Labcorp Genetics (formerly Invitae), Labcorp
Classification: Uncertain significance for Autosomal dominant childhood-onset proximal spinal muscular atrophy with contractures. Last evaluated: 2024-09-14. Review status: criteria provided, single submitter. Criteria: Invitae Variant Classification Sherloc (09022015). Collection method: clinical testing. Allele origin: germline.
Comment: This sequence change replaces arginine, which is basic and polar, with leucine, which is neutral and non-polar, at codon 493 of the BICD2 protein (p.Arg493Leu). This variant is present in population databases (no rsID available, gnomAD 0.002%). This variant has not been reported in the literature in individuals affected with BICD2-related conditions. ClinVar contains an entry for this variant (Variation ID: 644243). An algorithm developed to predict the effect of missense changes on protein structure and function (PolyPhen-2) suggests that this variant is likely to be tolerated. In summary, the available evidence is currently insufficient to determine the role of this variant in disease. Therefore, it has been classified as a Variant of Uncertain Significance.

GeneDx
Classification: Uncertain significance. Last evaluated: 2024-07-02. Review status: criteria provided, single submitter. Criteria: GeneDx Variant Classification Process June 2021. Collection method: clinical testing. Allele origin: germline. Affected: yes.
Comment: In silico analysis supports a deleterious effect on protein structure/function; Has not been previously published as pathogenic or benign to our knowledge

NM_001003800.2(BICD2):c.1478_1479delinsTT (p.Arg493Leu)

Gene: BICD2 (BICD cargo adaptor 2; minus strand). Cytogenetic location: 9q22.31.
Variant type: Indel.
Coding change: c.1478_1479delinsTT on transcript NM_001003800.2 (MANE Select); coding-DNA positions 1478 to 1479, GC replaced by TT.
Protein change: p.Arg493Leu; replaces arginine 493 with leucine.
Molecular consequence: missense variant.
Genome position (GRCh38, 1-based): chr9:92,719,166-92,719,167, GC replaced by AA on the plus strand (GC replaced by TT on the coding strand, the reverse complement: BICD2 is on the minus strand). VCF-style: chr9-92719166-GC-AA. GRCh37 (hg19) VCF-style: chr9-95481448-GC-AA.
Other names: c.1478_1479delinsTT (NM_001003800.1); c.1478_1479delGCinsTT (NM_001003800.1); c.1478_1479delinsTT, p.Arg493Leu (NM_015250.4); short protein forms R493L.
Identifiers: ClinVar variation 644243 (VCV000644243.10), dbSNP rs1587668960, ClinGen allele CA915947044.